The following is an entry in ClinVar:

ClinVar aggregate classification (germline): Uncertain significance (1 of 4 stars; one submission).

Submission:

GeneDx
Classification: Uncertain significance. Last evaluated: 2023-06-07. Review status: criteria provided, single submitter. Criteria: GeneDx Variant Classification Process June 2021. Collection method: clinical testing. Allele origin: germline. Affected: yes.
Comment: Has not been previously published as pathogenic or benign to our knowledge; Not observed at significant frequency in large population cohorts (gnomAD); In silico analysis supports that this missense variant has a deleterious effect on protein structure/function; Not located in the triple helical region, where the majority of pathogenic missense variants occur (HGMD)

NM_000089.4(COL1A2):c.3322T>A (p.Tyr1108Asn)

Gene: COL1A2 (collagen type I alpha 2 chain; plus strand). Cytogenetic location: 7q21.3.
Variant type: single nucleotide variant.
Coding change: c.3322T>A on transcript NM_000089.4 (MANE Select); coding-DNA position 3322, T replaced by A.
Protein change: p.Tyr1108Asn; replaces tyrosine 1108 with asparagine.
Molecular consequence: missense variant.
Genome position (GRCh38, 1-based): chr7:94,427,681, T>A. VCF-style: chr7-94427681-T-A. GRCh37 (hg19) VCF-style: chr7-94056993-T-A.
Other names: short protein forms Y1108N.
Identifiers: ClinVar variation 3252204 (VCV003252204.1), dbSNP rs1482400736.